The following is an entry in ClinVar:

ClinVar aggregate classification (germline): Benign. Review status: criteria provided, multiple submitters, no conflicts (2 of 4 stars). 13 submissions from 13 submitters: Benign (13). Last evaluated 2026-02-04.

Conditions:
Kabuki syndrome. Also called: NIIKAWA-KUROKI SYNDROME; Kabuki make-up syndrome. Identifiers: Orphanet 2322, MedGen C0796004, MONDO:0016512.
Kabuki syndrome 1 (KABUK1). Also called: KMT2D-Related Kabuki Syndrome. Identifiers: Orphanet 2322, MedGen CN030661, MONDO:0007843, OMIM 147920.

Allele frequency attached by ClinVar (database versions not stated): 1000 Genomes Project 0.43550; gnomAD 0.42947 and 0.42978; 1000 Genomes Project 30x 0.43395; ESP Exome Variant Server 0.41650; TOPMed 0.42024.
gnomAD v4.1: 673,719 of 1,598,928 alleles (42%); highest among the groups gnomAD compares: African/African-American, 47%; 143,531 homozygotes.

Submissions (13):

Labcorp Genetics (formerly Invitae), Labcorp
Classification: Benign for Kabuki syndrome. Last evaluated: 2026-02-04. Review status: criteria provided, single submitter. Criteria: Invitae Variant Classification Sherloc (09022015). Collection method: clinical testing. Allele origin: germline.

Blueprint Genetics
Classification: Benign. Last evaluated: 2024-11-27. Review status: criteria provided, single submitter. Criteria: ACMG Guidelines, 2015. Collection method: clinical testing. Allele origin: germline.

Unidad de Genómica Garrahan, Hospital de Pediatría Garrahan
Classification: Benign. Last evaluated: 2024-01-24. Review status: criteria provided, single submitter. Criteria: ACMG Guidelines, 2015. Collection method: clinical testing. Allele origin: germline. Affected: no. Observed: 61 variant alleles.
Comment: This variant is classified as Benign based on local population frequency. This variant was detected in 64% of patients studied by a panel of primary immunodeficiencies. Number of patients: 61. Only high quality variants are reported.

Mayo Clinic Laboratories, Mayo Clinic
Classification: Benign. Last evaluated: 2022-09-06. Review status: criteria provided, single submitter. Criteria: ACMG Guidelines, 2015. Collection method: clinical testing. Allele origin: germline. Observed: 29 variant alleles.

Genome-Nilou Lab
Classification: Benign for Kabuki syndrome 1. Last evaluated: 2021-08-19. Review status: criteria provided, single submitter. Criteria: ACMG Guidelines, 2015. Collection method: clinical testing. Allele origin: germline. Affected: no.

GeneDx
Classification: Benign. Last evaluated: 2020-05-12. Review status: criteria provided, single submitter. Criteria: GeneDx Variant Classification Process June 2021. Collection method: clinical testing. Allele origin: germline. Affected: yes.

ARUP Laboratories, Molecular Genetics and Genomics, ARUP Laboratories
Classification: Benign for Kabuki syndrome 1. Last evaluated: 2018-08-23. Review status: criteria provided, single submitter. Criteria: ARUP Molecular Germline Variant Investigation Process. Collection method: clinical testing. Allele origin: germline.

Athena Diagnostics
Classification: Benign. Last evaluated: 2018-05-07. Review status: criteria provided, single submitter. Criteria: Athena Diagnostics Criteria. Collection method: clinical testing. Allele origin: germline.

Eurofins Ntd Llc (ga)
Classification: Benign. Last evaluated: 2016-10-05. Review status: criteria provided, single submitter. Criteria: EGL Classification Definitions 2015. Collection method: clinical testing. Allele origin: germline. Observed: 315 variant alleles, 235 heterozygotes, 80 homozygotes.

Laboratory for Molecular Medicine, Mass General Brigham Personalized Medicine
Classification: Benign. Last evaluated: 2016-03-28. Review status: criteria provided, single submitter. Criteria: LMM Criteria. Collection method: clinical testing. Allele origin: germline.
Comment: Variant identified in a genome or exome case(s) and assessed due to predicted null impact of the variant or pathogenic assertions in the literature or databases. Disclaimer: This variant has not undergone full assessment. The following are preliminary notes: Frequency

Genetic Services Laboratory, University of Chicago
Classification: Benign. Last evaluated: 2013-02-08. Review status: criteria provided, single submitter. Criteria: ACMG Guidelines, 2007. Collection method: clinical testing. Allele origin: germline. Inheritance: Autosomal dominant inheritance.

Breakthrough Genomics
Classification: Benign. Review status: criteria provided, single submitter. Criteria: ACMG Guidelines, 2015. Collection method: not provided. Allele origin: germline. Inheritance: Autosomal dominant inheritance. Affected: yes.

PreventionGenetics, part of Exact Sciences
Classification: Benign. Review status: criteria provided, single submitter. Criteria: ACMG Guidelines, 2015. Collection method: clinical testing. Allele origin: germline.

NM_003482.4(KMT2D):c.7479G>T (p.Gly2493=)

Gene: KMT2D (lysine methyltransferase 2D; minus strand). Cytogenetic location: 12q13.12.
Variant type: single nucleotide variant.
Coding change: c.7479G>T on transcript NM_003482.4 (MANE Select); coding-DNA position 7479, G replaced by T.
Protein change: p.Gly2493=; no amino-acid change (glycine 2493 retained).
Molecular consequence: synonymous variant.
Genome position (GRCh38, 1-based): chr12:49,040,291, C>A on the plus strand (G>T on the coding strand, the complement: KMT2D is on the minus strand). VCF-style: chr12-49040291-C-A. GRCh37 (hg19) VCF-style: chr12-49434074-C-A.
Other names: p.Gly2493=.
Identifiers: ClinVar variation 94248 (VCV000094248.36), dbSNP rs10747559, ClinGen allele CA147705.